The following is an entry in ClinVar:

ClinVar aggregate classification (germline): Pathogenic (1 of 4 stars; one submission).

Conditions:
Peutz-Jeghers syndrome (PJS). Also called: POLYPOSIS, HAMARTOMATOUS INTESTINAL; POLYPS-AND-SPOTS SYNDROME; Peutz-Jeghers polyposis; Periorificial lentiginosis syndrome. Identifiers: Orphanet 2869, MedGen C0031269, MeSH D010580, MONDO:0008280, OMIM 175200.

Submission:

Myriad Genetics, Inc.
Classification: Pathogenic for Peutz-Jeghers syndrome. Last evaluated: 2023-02-08. Review status: criteria provided, single submitter. Criteria: Myriad Autosomal Dominant, Autosomal Recessive and X-Linked Classification Criteria (2023). Collection method: clinical testing. Allele origin: unknown.
Comment: This variant is considered pathogenic. This variant occurs within a consensus splice junction and is predicted to result in abnormal mRNA splicing of either an out-of-frame exon or an in-frame exon necessary for protein stability and/or normal function. This variant has been reported in multiple individuals with clinical features of gene-specific disease [PMID: 26607058, 30997075, 35189935].

Literature cited by the submitters: PubMed 26607058; PubMed 30997075; PubMed 35189935.

NM_000455.5(STK11):c.862+1G>A

Gene: STK11 (serine/threonine kinase 11; plus strand). Cytogenetic location: 19p13.3.
Variant type: single nucleotide variant.
Coding change: c.862+1G>A on transcript NM_000455.5 (MANE Select); the canonical splice donor site of the intron after coding-DNA position 862, G replaced by A.
Molecular consequence: splice donor variant.
Genome position (GRCh38, 1-based): chr19:1,221,341, G>A. VCF-style: chr19-1221341-G-A. GRCh37 (hg19) VCF-style: chr19-1221340-G-A.
Other names: c.862+1G>A (NM_001407255.1).
Identifiers: ClinVar variation 2573258 (VCV002573258.1), dbSNP rs1131690921, ClinGen allele CA402950785.